The following is an entry in ClinVar:

ClinVar aggregate classification (germline): Conflicting classifications of pathogenicity. Review status: criteria provided, conflicting classifications (1 of 4 stars). 4 submissions from 4 submitters: Uncertain significance (3); Likely benign (1). Last evaluated 2026-01-18.

Conditions:
Hereditary cancer-predisposing syndrome. Also called: Neoplastic Syndromes, Hereditary; Tumor predisposition; Hereditary neoplastic syndrome; Hereditary Cancer Syndrome. Identifiers: Orphanet 140162, MedGen C0027672, MeSH D009386, MONDO:0015356.
Hereditary breast ovarian cancer syndrome. Also called: Hereditary breast and ovarian cancer syndrome; Hereditary breast and ovarian cancer; Hereditary breast and ovarian cancer syndrome (HBOC); Breast and ovarian cancer; Hereditary breast and/or ovarian cancer syndrome; BRCA1- and BRCA2-Associated Hereditary Breast and Ovarian Cancer. Identifiers: Orphanet 145, MedGen C0677776, MeSH D061325, MONDO:0003582. Disease mechanism: loss of function.

gnomAD v4.1: 2 of 1,613,548 alleles (0.00012%); highest among the groups gnomAD compares: East Asian, 0.0045%; no homozygotes.

Submissions (4):

Labcorp Genetics (formerly Invitae), Labcorp
Classification: Uncertain significance for Hereditary breast ovarian cancer syndrome. Last evaluated: 2026-01-18. Review status: criteria provided, single submitter. Criteria: Invitae Variant Classification Sherloc (09022015). Collection method: clinical testing. Allele origin: germline.
Comment: This sequence change replaces phenylalanine, which is neutral and non-polar, with leucine, which is neutral and non-polar, at codon 2058 of the BRCA2 protein (p.Phe2058Leu). This variant is not present in population databases (gnomAD no frequency). This variant has not been reported in the literature in individuals affected with BRCA2-related conditions. ClinVar contains an entry for this variant (Variation ID: 826222). Invitae Evidence Modeling of protein sequence and biophysical properties (such as structural, functional, and spatial information, amino acid conservation, physicochemical variation, residue mobility, and thermodynamic stability) indicates that this missense variant is not expected to disrupt BRCA2 protein function with a negative predictive value of 95%. In summary, the available evidence is currently insufficient to determine the role of this variant in disease. Therefore, it has been classified as a Variant of Uncertain Significance.

Ambry Genetics
Classification: Uncertain significance for Hereditary cancer-predisposing syndrome. Last evaluated: 2025-11-11. Review status: criteria provided, single submitter. Criteria: Ambry Variant Classification Scheme 2023. Collection method: clinical testing. Allele origin: germline.
Comment: The p.F2058L variant (also known as c.6172T>C), located in coding exon 10 of the BRCA2 gene, results from a T to C substitution at nucleotide position 6172. The phenylalanine at codon 2058 is replaced by leucine, an amino acid with highly similar properties. This alteration has been reported with a carrier frequency of 0 in 7051 unselected breast cancer patients and 0.00018 in 11241 female controls of Japanese ancestry (Momozawa Y et al. Nat Commun, 2018 10;9:4083). This amino acid position is highly conserved in available vertebrate species. In addition, this alteration is predicted to be deleterious by in silico analysis. Since supporting evidence is limited at this time, the clinical significance of this alteration remains unclear.

University of Washington Department of Laboratory Medicine, University of Washington
Classification: Likely benign for Hereditary cancer-predisposing syndrome. Last evaluated: 2023-03-23. Review status: criteria provided, single submitter. Criteria: Dines et al. (Genet Med. 2020). Collection method: curation. Allele origin: germline.
Comment: Missense variant in a coldspot region where missense variants are very unlikely to be pathogenic (PMID:31911673).

BRCA2 exon 11 coldspot. Reclassification based on statistical prior probability.

Women's Health and Genetics/Laboratory Corporation of America, LabCorp
Classification: Uncertain significance. Last evaluated: 2019-09-20. Review status: criteria provided, single submitter. Criteria: LabCorp Variant Classification Summary - May 2015. Collection method: clinical testing. Allele origin: germline.
Comment: Variant summary: BRCA2 c.6172T>C (p.Phe2058Leu) results in a non-conservative amino acid change located in the last BRCA2 repeat (BRC8), which is highly conserved and participates in Rad51 binding (IPR002093). Five of five in-silico tools predict a damaging effect of the variant on protein function. The variant allele was not found in about 250834 control chromosomes in the gnomAD database, however it was reported in unaffected Japanese controls with a frequency of 6.30e-05 (i.e. 3/47462 alleles) (Momozawa_2018). The available data on variant occurrences in the general population are insufficient to allow any conclusion about variant significance. c.6172T>C has not been reported in the literature in individuals affected with Hereditary Breast and Ovarian Cancer. To our knowledge, no experimental evidence demonstrating an impact on protein function has been reported. No clinical diagnostic laboratories have submitted clinical-significance assessments for this variant to ClinVar after 2014. Based on the evidence outlined above, the variant was classified as uncertain significance.

Literature cited by the submitters: PubMed 30287823 (cited by Ambry Genetics and Women's Health and Genetics/Laboratory Corporation of America, LabCorp).

NM_000059.4(BRCA2):c.6172T>C (p.Phe2058Leu)

Gene: BRCA2 (BRCA2 DNA repair associated; plus strand). Cytogenetic location: 13q13.1.
Variant type: single nucleotide variant.
Coding change: c.6172T>C on transcript NM_000059.4 (MANE Select); coding-DNA position 6172, T replaced by C.
Protein change: p.Phe2058Leu; replaces phenylalanine 2058 with leucine.
Molecular consequence: missense variant.
Genome position (GRCh38, 1-based): chr13:32,340,527, T>C. VCF-style: chr13-32340527-T-C. GRCh37 (hg19) VCF-style: chr13-32914664-T-C.
Other names: short protein forms F2058L.
Identifiers: ClinVar variation 826222 (VCV000826222.9), dbSNP rs80358857, ClinGen allele CA387788360.